The following is an entry in ClinVar:

NM_000392.5(ABCC2):c.934A>T (p.Lys312Ter)

Gene: ABCC2 (ATP binding cassette subfamily C member 2; plus strand). Cytogenetic location: 10q24.2.
Variant type: single nucleotide variant.
Coding change: c.934A>T on transcript NM_000392.5 (MANE Select); coding-DNA position 934, A replaced by T.
Protein change: p.Lys312Ter; replaces lysine 312 with a stop codon.
Molecular consequence: nonsense.
Genome position (GRCh38, 1-based): chr10:99,799,273, A>T. VCF-style: chr10-99799273-A-T. GRCh37 (hg19) VCF-style: chr10-101559030-A-T.
Other names: short protein forms K312*.
Identifiers: ClinVar variation 2697814 (VCV002697814.3), dbSNP rs2492867827, ClinGen allele CA378105342.

ClinVar aggregate classification (germline): Pathogenic (1 of 4 stars; one submission).

Submission:

Labcorp Genetics (formerly Invitae), Labcorp
Classification: Pathogenic. Last evaluated: 2023-11-20. Review status: criteria provided, single submitter. Criteria: Invitae Variant Classification Sherloc (09022015). Collection method: clinical testing. Allele origin: germline.
Comment: This sequence change creates a premature translational stop signal (p.Lys312*) in the ABCC2 gene. It is expected to result in an absent or disrupted protein product. Loss-of-function variants in ABCC2 are known to be pathogenic (PMID: 9185779, 16549534, 16952291). This variant is not present in population databases (gnomAD no frequency). This variant has not been reported in the literature in individuals affected with ABCC2-related conditions. Algorithms developed to predict the effect of sequence changes on RNA splicing suggest that this variant may disrupt the consensus splice site. For these reasons, this variant has been classified as Pathogenic.

Literature cited by the submitters: PubMed 9185779; PubMed 16549534; PubMed 16952291.